The following is an entry in ClinVar:

NM_005591.4(MRE11):c.1124C>G (p.Pro375Arg)

Gene: MRE11 (MRE11 double strand break repair nuclease; minus strand). Cytogenetic location: 11q21.
Variant type: single nucleotide variant.
Coding change: c.1124C>G on transcript NM_005591.4 (MANE Select); coding-DNA position 1124, C replaced by G.
Protein change: p.Pro375Arg; replaces proline 375 with arginine.
Molecular consequence: missense variant.
Genome position (GRCh38, 1-based): chr11:94,464,214, G>C on the plus strand (C>G on the coding strand, the complement: MRE11 is on the minus strand). VCF-style: chr11-94464214-G-C. GRCh37 (hg19) VCF-style: chr11-94197380-G-C.
Other names: c.1124C>G, p.Pro375Arg (NM_001330347.2, NM_005590.4); short protein forms P375R.
Identifiers: ClinVar variation 1800268 (VCV001800268.2), dbSNP rs1337955464, ClinGen allele CA382372992.

ClinVar aggregate classification (germline): Uncertain significance (1 of 4 stars; one submission).

Conditions:
Hereditary cancer-predisposing syndrome. Also called: Neoplastic Syndromes, Hereditary; Tumor predisposition; Hereditary Cancer Syndrome; Hereditary neoplastic syndrome. Identifiers: Orphanet 140162, MedGen C0027672, MeSH D009386, MONDO:0015356.

Submission:

Ambry Genetics
Classification: Uncertain significance for Hereditary cancer-predisposing syndrome. Last evaluated: 2021-04-01. Review status: criteria provided, single submitter. Criteria: Ambry Variant Classification Scheme 2023. Collection method: clinical testing. Allele origin: germline.
Comment: The p.P375R variant (also known as c.1124C>G), located in coding exon 10 of the MRE11A gene, results from a C to G substitution at nucleotide position 1124. The proline at codon 375 is replaced by arginine, an amino acid with dissimilar properties. This amino acid position is well conserved in available vertebrate species. In addition, the in silico prediction for this alteration is inconclusive. Since supporting evidence is limited at this time, the clinical significance of this alteration remains unclear.